The following is an entry in ClinVar:

ClinVar aggregate classification (germline): Uncertain significance (1 of 4 stars; one submission).

Conditions:
Syndromic multisystem autoimmune disease due to ITCH deficiency. Also called: AUTOIMMUNE DISEASE, MULTISYSTEM, WITH FACIAL DYSMORPHISM. Identifiers: Orphanet 228426, MedGen C3150649, MONDO:0013245, OMIM 613385.

gnomAD v4.1: 8 of 1,613,494 alleles (0.0005%); highest among the groups gnomAD compares: African/African-American, 0.011%; no homozygotes.

Submission:

Labcorp Genetics (formerly Invitae), Labcorp
Classification: Uncertain significance for Syndromic multisystem autoimmune disease due to ITCH deficiency. Last evaluated: 2022-03-28. Review status: criteria provided, single submitter. Criteria: Invitae Variant Classification Sherloc (09022015). Collection method: clinical testing. Allele origin: germline.
Comment: This variant has not been reported in the literature in individuals affected with ITCH-related conditions. This variant is present in population databases (no rsID available, gnomAD 0.008%). This sequence change replaces aspartic acid, which is acidic and polar, with glutamic acid, which is acidic and polar, at codon 165 of the ITCH protein (p.Asp165Glu). Algorithms developed to predict the effect of missense changes on protein structure and function are either unavailable or do not agree on the potential impact of this missense change (SIFT: "Not Available"; PolyPhen-2: "Benign"; Align-GVGD: "Not Available"). In summary, the available evidence is currently insufficient to determine the role of this variant in disease. Therefore, it has been classified as a Variant of Uncertain Significance.

NM_031483.7(ITCH):c.495T>A (p.Asp165Glu)

Gene: ITCH (itchy E3 ubiquitin protein ligase; plus strand). Cytogenetic location: 20q11.22.
Variant type: single nucleotide variant.
Coding change: c.495T>A on transcript NM_031483.7 (MANE Select); coding-DNA position 495, T replaced by A.
Protein change: p.Asp165Glu; replaces aspartic acid 165 with glutamic acid.
Molecular consequence: missense variant.
Genome position (GRCh38, 1-based): chr20:34,424,499, T>A. VCF-style: chr20-34424499-T-A. GRCh37 (hg19) VCF-style: chr20-33012305-T-A.
Other names: c.618T>A, p.Asp206Glu (NM_001257137.3, NM_001324197.2); c.165T>A, p.Asp55Glu (NM_001257138.3); c.495T>A, p.Asp165Glu (NM_001324198.2); short protein forms D165E, D206E, D55E.
Identifiers: ClinVar variation 2119044 (VCV002119044.3), dbSNP rs373751787, ClinGen allele CA313417187.